The following is an entry in ClinVar:

ClinVar aggregate classification (germline): Conflicting classifications of pathogenicity. Review status: criteria provided, conflicting classifications (1 of 4 stars). 8 submissions from 8 submitters: Uncertain significance (5); Likely benign (3). Last evaluated 2026-06-02.

Conditions:
BAP1-related disorder. Also called: BAP1-related condition.
Hereditary cancer-predisposing syndrome. Also called: Tumor predisposition; Hereditary neoplastic syndrome; Hereditary Cancer Syndrome; Neoplastic Syndromes, Hereditary. Identifiers: Orphanet 140162, MedGen C0027672, MeSH D009386, MONDO:0015356.
BAP1-related tumor predisposition syndrome (TPDS1). Also called: Tumor susceptibility linked to germline BAP1 mutations; COMMON Syndrome; TUMOR PREDISPOSITION SYNDROME 1; BAP1 tumor predisposition syndrome. Identifiers: Orphanet 289539, MedGen C3280492, MONDO:0013692, OMIM 614327.

Allele frequency attached by ClinVar (database versions not stated): gnomAD exomes 0.00001 and 0.00002; gnomAD 0.00003 and 0.00005; TOPMed 0.00004.
gnomAD v4.1: 25 of 1,613,982 alleles (0.0015%); highest among the groups gnomAD compares: East Asian, 0.0089%; no homozygotes.

Submissions (8):

PreventionGenetics, part of Exact Sciences
Classification: Uncertain significance for BAP1-related condition. Last evaluated: 2026-06-02. Review status: criteria provided, single submitter. Criteria: ACMG Guidelines, 2015. Collection method: clinical testing. Allele origin: germline.
Comment: The BAP1 c.1031A>G variant is predicted to result in the amino acid substitution p.Asn344Ser. To our knowledge, this variant has not been reported in the literature. This variant is reported in 0.015% of alleles in individuals of East Asian descent in gnomAD, which may be too common to be a primary cause of disease. This variant has interpretations in ClinVar ranging from likely benign to uncertain (Variation ID: 412411). Although we suspect this variant may be benign, at this time, the clinical significance of this variant is uncertain due to the absence of conclusive functional and genetic evidence.

Dasa
Classification: Likely benign for BAP1-related tumor predisposition syndrome. Last evaluated: 2026-03-27. Review status: criteria provided, single submitter. Criteria: DASA Assertion Criteria. Collection method: clinical testing. Allele origin: germline.
Comment: NM_004656.4(BAP1):c.1031A>G (p.Asn344Ser) is a missense variant that results in the substitution of asparagine with serine. Functional evidence is consistent with no deleterious impact on the gene or gene product. Computational prediction algorithms are consistent with a benign effect. Therefore, based on the currently available evidence, this variant is classified as likely benign.

Color Diagnostics, LLC DBA Color Health
Classification: Likely benign for Hereditary cancer-predisposing syndrome. Last evaluated: 2025-12-10. Review status: criteria provided, single submitter. Criteria: ACMG Guidelines, 2015. Collection method: clinical testing. Allele origin: germline.

Labcorp Genetics (formerly Invitae), Labcorp
Classification: Uncertain significance for BAP1-related tumor predisposition syndrome. Last evaluated: 2025-12-10. Review status: criteria provided, single submitter. Criteria: Invitae Variant Classification Sherloc (09022015). Collection method: clinical testing. Allele origin: germline.
Comment: This sequence change replaces asparagine, which is neutral and polar, with serine, which is neutral and polar, at codon 344 of the BAP1 protein (p.Asn344Ser). This variant is present in population databases (rs142887785, gnomAD 0.02%). This variant has not been reported in the literature in individuals affected with BAP1-related conditions. ClinVar contains an entry for this variant (Variation ID: 412411). Invitae Evidence Modeling of protein sequence and biophysical properties (such as structural, functional, and spatial information, amino acid conservation, physicochemical variation, residue mobility, and thermodynamic stability) indicates that this missense variant is not expected to disrupt BAP1 protein function with a negative predictive value of 80%. In summary, the available evidence is currently insufficient to determine the role of this variant in disease. Therefore, it has been classified as a Variant of Uncertain Significance.

Baylor Genetics
Classification: Uncertain significance for BAP1-related tumor predisposition syndrome. Last evaluated: 2024-01-22. Review status: criteria provided, single submitter. Criteria: ACMG Guidelines, 2015. Collection method: clinical testing. Allele origin: unknown.

CeGaT Center for Human Genetics Tuebingen
Classification: Uncertain significance. Last evaluated: 2023-10-01. Review status: criteria provided, single submitter. Criteria: CeGaT Center For Human Genetics Tuebingen Variant Classification Criteria Version 2. Collection method: clinical testing. Allele origin: germline. Affected: yes. Observed: 1 variant allele.

GeneDx
Classification: Uncertain significance. Last evaluated: 2023-08-21. Review status: criteria provided, single submitter. Criteria: GeneDx Variant Classification Process June 2021. Collection method: clinical testing. Allele origin: germline. Affected: yes.
Comment: Not observed at significant frequency in large population cohorts (gnomAD); In silico analysis supports that this missense variant does not alter protein structure/function; Has not been previously published as pathogenic or benign to our knowledge

Ambry Genetics
Classification: Likely benign for Hereditary cancer-predisposing syndrome. Last evaluated: 2022-06-23. Review status: criteria provided, single submitter. Criteria: Ambry Variant Classification Scheme 2023. Collection method: clinical testing. Allele origin: germline.

NM_004656.4(BAP1):c.1031A>G (p.Asn344Ser)

Gene: BAP1 (BRCA1 associated deubiquitinase 1; minus strand). Cytogenetic location: 3p21.1.
Variant type: single nucleotide variant.
Coding change: c.1031A>G on transcript NM_004656.4 (MANE Select); coding-DNA position 1031, A replaced by G.
Protein change: p.Asn344Ser; replaces asparagine 344 with serine.
Molecular consequence: missense variant.
Genome position (GRCh38, 1-based): chr3:52,405,195, T>C on the plus strand (A>G on the coding strand, the complement: BAP1 is on the minus strand). VCF-style: chr3-52405195-T-C. GRCh37 (hg19) VCF-style: chr3-52439211-T-C.
Other names: short protein forms N344S.
Identifiers: ClinVar variation 412411 (VCV000412411.48), dbSNP rs142887785, ClinGen allele CA16611432.